The following is an entry in ClinVar:

NM_004369.4(COL6A3):c.6248G>A (p.Gly2083Asp)

Gene: COL6A3 (collagen type VI alpha 3 chain; minus strand). Cytogenetic location: 2q37.3.
Variant type: single nucleotide variant.
Coding change: c.6248G>A on transcript NM_004369.4 (MANE Select); coding-DNA position 6248, G replaced by A.
Protein change: p.Gly2083Asp; replaces glycine 2083 with aspartic acid.
Molecular consequence: missense variant.
Genome position (GRCh38, 1-based): chr2:237,360,122, C>T on the plus strand (G>A on the coding strand, the complement: COL6A3 is on the minus strand). VCF-style: chr2-237360122-C-T. GRCh37 (hg19) VCF-style: chr2-238268765-C-T.
Other names: c.4427G>A, p.Gly1476Asp (NM_057166.5); c.5630G>A, p.Gly1877Asp (NM_057167.4); short protein forms G1476D, G1877D, G2083D.
Identifiers: ClinVar variation 2816823 (VCV002816823.4), dbSNP rs1085307697, ClinGen allele CA351216602.

ClinVar aggregate classification (germline): Uncertain significance. Review status: criteria provided, single submitter (1 of 4 stars). 2 submissions from 2 submitters: Uncertain significance (1). 1 of the submissions does not count toward it. Last evaluated 2022-11-26.

Conditions:
Bethlem myopathy 1A. Also called: Bethlem myopathy 1; MYOPATHY, BENIGN CONGENITAL, WITH CONTRACTURES; Bethlem Muscular Dystrophy. Identifiers: Orphanet 610, MedGen CN029274, MONDO:0024530, OMIM 158810.
Dystonia 27 (DYT27). Identifiers: Orphanet 464440, MedGen C4225336, MONDO:0014627, OMIM 616411.

Submissions (2):

Labcorp Genetics (formerly Invitae), Labcorp
Classification: Uncertain significance for Bethlem myopathy 1A. Last evaluated: 2022-11-26. Review status: criteria provided, single submitter. Criteria: Invitae Variant Classification Sherloc (09022015). Collection method: clinical testing. Allele origin: germline.
Comment: This sequence change replaces glycine, which is neutral and non-polar, with aspartic acid, which is acidic and polar, at codon 2083 of the COL6A3 protein (p.Gly2083Asp). This variant is not present in population databases (gnomAD no frequency). This variant has not been reported in the literature in individuals affected with COL6A3-related conditions. Advanced modeling of protein sequence and biophysical properties (such as structural, functional, and spatial information, amino acid conservation, physicochemical variation, residue mobility, and thermodynamic stability) performed at Invitae indicates that this missense variant is expected to disrupt COL6A3 protein function. This variant disrupts the triple helix domain of COL6A3. Glycine residues within the Gly-Xaa-Yaa repeats of the triple helix domain are required for the structure and stability of fibrillar collagens (PMID: 7695699, 8218237, 19344236). In COL6A3, missense variants at these glycine residues are significantly enriched in individuals with autosomal dominant disease (PMID: 15689448, 24038877) compared to the general population (ExAC). In summary, the available evidence is currently insufficient to determine the role of this variant in disease. Therefore, it has been classified as a Variant of Uncertain Significance.

Solve-RD Consortium
Classification: Likely pathogenic for Dystonia 27. Last evaluated: 2022-06-01. Review status: no assertion criteria provided. Collection method: provider interpretation. Allele origin: inherited. Affected: yes. Not counted in ClinVar's aggregate classification.
Comment: Variant confirmed as disease-causing by referring clinical team

Variant identified during reanalysis of unsolved cases by the Solve-RD project. The Solve-RD project has received funding from the European Union’s Horizon 2020 research and innovation programme under grant agreement No 779257.

Literature cited by the submitters: PubMed 7695699 (cited by Labcorp Genetics (formerly Invitae), Labcorp); PubMed 8218237 (cited by Labcorp Genetics (formerly Invitae), Labcorp); PubMed 19344236 (cited by Labcorp Genetics (formerly Invitae), Labcorp); PubMed 15689448 (cited by Labcorp Genetics (formerly Invitae), Labcorp); PubMed 24038877 (cited by Labcorp Genetics (formerly Invitae), Labcorp); PubMed 39825153 (cited by Solve-RD Consortium).